The following is an entry in ClinVar:

ClinVar aggregate classification (germline): Uncertain significance (1 of 4 stars; one submission).

Conditions:
Multiple congenital anomalies-hypotonia-seizures syndrome 1 (MCAHS1). Also called: PIGN-CDG; Congenital disorder of glycosylation due to PIGN deficiency; GLYCOSYLPHOSPHATIDYLINOSITOL BIOSYNTHESIS DEFECT 3. Identifiers: Orphanet 280633, MedGen C3279775, MONDO:0013563, OMIM 614080.

Allele frequency attached by ClinVar (database versions not stated): gnomAD exomes below 0.00001; TOPMed 0.00001.
gnomAD v4.1: 2 of 1,527,246 alleles (0.00013%); highest among the groups gnomAD compares: African/African-American, 0.0028%; no homozygotes.

Submission:

Labcorp Genetics (formerly Invitae), Labcorp
Classification: Uncertain significance for Multiple congenital anomalies-hypotonia-seizures syndrome 1. Last evaluated: 2022-01-18. Review status: criteria provided, single submitter. Criteria: Invitae Variant Classification Sherloc (09022015). Collection method: clinical testing. Allele origin: germline.
Comment: This sequence change replaces serine, which is neutral and polar, with alanine, which is neutral and non-polar, at codon 194 of the PIGN protein (p.Ser194Ala). This variant is not present in population databases (gnomAD no frequency). This variant has not been reported in the literature in individuals affected with PIGN-related conditions. Algorithms developed to predict the effect of missense changes on protein structure and function are either unavailable or do not agree on the potential impact of this missense change (SIFT: "Not Available"; PolyPhen-2: "Benign"; Align-GVGD: "Not Available"). In summary, the available evidence is currently insufficient to determine the role of this variant in disease. Therefore, it has been classified as a Variant of Uncertain Significance.

NM_176787.5(PIGN):c.580T>G (p.Ser194Ala)

Gene: PIGN (phosphatidylinositol glycan anchor biosynthesis class N; minus strand). Cytogenetic location: 18q21.33.
Variant type: single nucleotide variant.
Coding change: c.580T>G on transcript NM_176787.5 (MANE Select); coding-DNA position 580, T replaced by G.
Protein change: p.Ser194Ala; replaces serine 194 with alanine.
Molecular consequence: missense variant.
Genome position (GRCh38, 1-based): chr18:62,148,308, A>C on the plus strand (T>G on the coding strand, the complement: PIGN is on the minus strand). VCF-style: chr18-62148308-A-C. GRCh37 (hg19) VCF-style: chr18-59815541-A-C.
Other names: c.580T>G, p.Ser194Ala (NM_012327.6); short protein forms S194A.
Identifiers: ClinVar variation 1368657 (VCV001368657.3), dbSNP rs2036409771, ClinGen allele CA402602264.